The following is an entry in ClinVar:

ClinVar aggregate classification (germline): Pathogenic. Review status: criteria provided, multiple submitters, no conflicts (2 of 4 stars). 9 submissions from 9 submitters: Pathogenic (9). Last evaluated 2025-06-09.

Conditions:
Charlevoix-Saguenay spastic ataxia (SACS). Also called: SPASTIC ATAXIA 6, AUTOSOMAL RECESSIVE; AUTOSOMAL RECESSIVE SPASTIC ATAXIA OF CHARLEVOIX-SAGUENAY; Spastic ataxia of Charlevoix-Saguenay. Identifiers: Orphanet 98, MedGen C1849140, MONDO:0010041, OMIM 270550.
Spastic paraplegia. Identifiers: MedGen C0037772, HP:0001258.
SACS-related disorder. Also called: SACS-related condition.

Submissions (9):

Natera, Inc.
Classification: Pathogenic for Charlevoix-Saguenay type spastic ataxia. Last evaluated: 2025-06-09. Review status: criteria provided, single submitter. Criteria: Natera Variant Classification Schema (03/2026). Collection method: clinical testing. Allele origin: germline.
Comment: The c.6000_6004delAAGAA variant in SACS is a frameshift variant predicted to shift the reading frame beginning at codon 2002 and leads to a stop codon 25 codons downstream. This variant is expected to result in nonsense mediated decay, truncation, or a dysfunctional protein product. This variant is rare in the general population with a frequency below the threshold expected for the associated phenotype(s). This variant has been observed in one or more individuals affected with the associated recessive disease, as either homozygous or compound heterozygous with a second variant (PMID: 18465152). Given the available evidence, this variant is classified as Pathogenic.

3billion
Classification: Pathogenic for Charlevoix-Saguenay spastic ataxia. Last evaluated: 2025-05-28. Review status: criteria provided, single submitter. Criteria: ACMG Guidelines, 2015. Collection method: clinical testing. Allele origin: germline. Affected: yes.
Comment: The variant is observed at an extremely low frequency in the gnomAD v4.1.0 dataset (total allele frequency: <0.001%). Predicted Consequence/Location: Frameshift: predicted to result in a loss or disruption of normal protein function through protein truncation. The predicted truncated protein may be shortened by more than 10%. The variant has been reported at least twice as pathogenic with clinical assertions and evidence for the classification (ClinVar ID: VCV000928541 /PMID: 18465152). Therefore, this variant is classified as Pathogenic according to the recommendation of ACMG/AMP guideline.

Centre for Clinical Genetics and Genomic Diagnostics, Zealand University Hospital
Classification: Pathogenic. Last evaluated: 2024-11-20. Review status: criteria provided, single submitter. Criteria: ACMG Guidelines, 2015. Collection method: clinical testing. Allele origin: germline. Affected: yes.
Comment: Compound heterozygous

Baylor Genetics
Classification: Pathogenic for Charlevoix-Saguenay spastic ataxia. Last evaluated: 2024-03-10. Review status: criteria provided, single submitter. Criteria: ACMG Guidelines, 2015. Collection method: clinical testing. Allele origin: unknown.

Labcorp Genetics (formerly Invitae), Labcorp
Classification: Pathogenic for Spastic paraplegia. Last evaluated: 2024-02-22. Review status: criteria provided, single submitter. Criteria: Invitae Variant Classification Sherloc (09022015). Collection method: clinical testing. Allele origin: germline.
Comment: This sequence change creates a premature translational stop signal (p.Arg2002Cysfs*25) in the SACS gene. While this is not anticipated to result in nonsense mediated decay, it is expected to disrupt the last 2578 amino acid(s) of the SACS protein. This variant is present in population databases (rs773754134, gnomAD 0.002%). This premature translational stop signal has been observed in individual(s) with a SACS-related condition (PMID: 18465152). ClinVar contains an entry for this variant (Variation ID: 928541). This variant disrupts a region of the SACS protein in which other variant(s) (p.Arg3903*) have been determined to be pathogenic (PMID: 19892370, 21745802). This suggests that this is a clinically significant region of the protein, and that variants that disrupt it are likely to be disease-causing. For these reasons, this variant has been classified as Pathogenic.

Mendelics
Classification: Pathogenic for Charlevoix-Saguenay spastic ataxia. Last evaluated: 2022-05-04. Review status: criteria provided, single submitter. Criteria: Mendelics Assertion Criteria 2019. Collection method: clinical testing. Allele origin: germline.

Blueprint Genetics
Classification: Pathogenic for SACS-related disorders. Last evaluated: 2022-02-22. Review status: criteria provided, single submitter. Criteria: ACMG Guidelines, 2015. Collection method: clinical testing. Allele origin: germline. Affected: yes. Observed: 3 variant alleles.

PROSPAX: an integrated multimodal progression  chart in spastic ataxias, Center for Neurology; Hertie-Institute for Clinical Brain Research
Classification: Pathogenic for Charlevoix-Saguenay spastic ataxia. Last evaluated: 2022-01-01. Review status: criteria provided, single submitter. Criteria: ACMG Guidelines, 2015. Collection method: research. Allele origin: germline. Affected: yes.
Comment: Variant seen in compound het: [c.6000_6004del;c.13132C>T]

Women's Health and Genetics/Laboratory Corporation of America, LabCorp
Classification: Pathogenic for Charlevoix-Saguenay spastic ataxia. Last evaluated: 2019-09-23. Review status: criteria provided, single submitter. Criteria: LabCorp Variant Classification Summary - May 2015. Collection method: clinical testing. Allele origin: germline.
Comment: Variant summary: SACS c.6000_6004delAAGAA (p.Arg2002CysfsX25) results in a premature termination codon, predicted to cause a truncation of the encoded protein or absence of the protein due to nonsense mediated decay, which are commonly known mechanisms for disease. The variant allele was found at a frequency of 8e-06 in 250548 control chromosomes (gnomAD). The variant, c.6000_6004delAAGAA, has been reported in the literature, in homozygosity or compound heterozygous state, in multiple individuals affected with Autosomal Recessive Spastic Ataxia of Charlevoix-Saguenay (Haskell_2018, Kara_2016, Vermeer_2008). These data indicate that the variant is likely to be associated with disease. Experimental evidence demonstrated the truncation or absence of the Sacsin protein in a patient derived cell line that was compound heterozygous for the variant of interest and another truncating SACS variant, in addition increased levels of reactive oxygen species, altered mitochondrial volume/morphology and a grossly abnormal vimentin cytoskeleton was also demonstrated (Bradshaw_2016, Duncan_2017). No clinical diagnostic laboratories have submitted clinical-significance assessments for this variant to ClinVar after 2014. Based on the evidence outlined above, the variant was classified as pathogenic.

Literature cited by the submitters: PubMed 18465152 (cited by 4 submitters); PubMed 19892370 (cited by Labcorp Genetics (formerly Invitae), Labcorp); PubMed 21745802 (cited by Labcorp Genetics (formerly Invitae), Labcorp); PubMed 19779133 (cited by Women's Health and Genetics/Laboratory Corporation of America, LabCorp); PubMed 27288452 (cited by Women's Health and Genetics/Laboratory Corporation of America, LabCorp); PubMed 28535259 (cited by Women's Health and Genetics/Laboratory Corporation of America, LabCorp); PubMed 29417091 (cited by Women's Health and Genetics/Laboratory Corporation of America, LabCorp); PubMed 27217339 (cited by Women's Health and Genetics/Laboratory Corporation of America, LabCorp).

NM_014363.6(SACS):c.6000_6004del (p.Arg2002fs)

Gene: SACS (sacsin molecular chaperone; minus strand). Cytogenetic location: 13q12.12.
Variant type: Deletion.
Coding change: c.6000_6004del on transcript NM_014363.6 (MANE Select); coding-DNA positions 6000 to 6004, 5 bases deleted (AAGAA; older notation c.6000_6004delAAGAA).
Protein change: p.Arg2002fs; shifts the reading frame from arginine 2002.
Molecular consequence: frameshift variant.
Genome position (GRCh38, 1-based): chr13:23,337,872-23,337,876, TTCTT deleted on the plus strand (AAGAA on the coding strand, the reverse complement: SACS is on the minus strand); deleting any 5 consecutive bases within chr13:23,337,872-23,337,878 gives the same sequence; the c. name uses the placement nearest the transcript's 3' end. VCF-style (leftmost placement, unchanged base first): chr13-23337871-CTTCTT-C. GRCh37 (hg19) VCF-style: chr13-23912010-CTTCTT-C.
Other names: c.5559_5563del, p.Arg1855fs (NM_001278055.2); c.6000_6004delAAGAA (NM_014363.5); short protein forms R1855fs, R2002fs.
Identifiers: ClinVar variation 928541 (VCV000928541.20), dbSNP rs773754134, ClinGen allele CA6911153.